The following is an entry in ClinVar:

ClinVar aggregate classification (germline): Uncertain significance (1 of 4 stars; one submission).

Allele frequency attached by ClinVar (database versions not stated): TOPMed below 0.00001.
gnomAD v4.1: 4 of 1,580,474 alleles (0.00025%); highest among the groups gnomAD compares: South Asian, 0.0012%; no homozygotes.

Submission:

Labcorp Genetics (formerly Invitae), Labcorp
Classification: Uncertain significance. Last evaluated: 2022-08-22. Review status: criteria provided, single submitter. Criteria: Invitae Variant Classification Sherloc (09022015). Collection method: clinical testing. Allele origin: germline.
Comment: Algorithms developed to predict the effect of missense changes on protein structure and function (SIFT, PolyPhen-2, Align-GVGD) all suggest that this variant is likely to be tolerated. This variant has not been reported in the literature in individuals affected with CACNA2D4-related conditions. The frequency data for this variant in the population databases is considered unreliable, as metrics indicate poor data quality at this position in the gnomAD database. This sequence change replaces glutamine, which is neutral and polar, with arginine, which is basic and polar, at codon 1009 of the CACNA2D4 protein (p.Gln1009Arg). In summary, the available evidence is currently insufficient to determine the role of this variant in disease. Therefore, it has been classified as a Variant of Uncertain Significance.

NM_172364.5(CACNA2D4):c.3026A>G (p.Gln1009Arg)

Gene: CACNA2D4 (calcium voltage-gated channel auxiliary subunit alpha2delta 4; minus strand). Cytogenetic location: 12p13.33.
Variant type: single nucleotide variant.
Coding change: c.3026A>G on transcript NM_172364.5 (MANE Select); coding-DNA position 3026, A replaced by G.
Protein change: p.Gln1009Arg; replaces glutamine 1009 with arginine.
Molecular consequence: missense variant.
Genome position (GRCh38, 1-based): chr12:1,797,505, T>C on the plus strand (A>G on the coding strand, the complement: CACNA2D4 is on the minus strand). VCF-style: chr12-1797505-T-C. GRCh37 (hg19) VCF-style: chr12-1906671-T-C.
Other names: short protein forms Q1009R.
Identifiers: ClinVar variation 2038093 (VCV002038093.4), dbSNP rs999293144, ClinGen allele CA231520435.